The following is an entry in ClinVar:

ClinVar aggregate classification (germline): Uncertain significance (1 of 4 stars; one submission).

Allele frequency attached by ClinVar (database versions not stated): gnomAD exomes below 0.00001; TOPMed below 0.00001; ExAC 0.00001; gnomAD 0.00001.
gnomAD v4.1: 3 of 1,611,436 alleles (0.00019%); highest among the groups gnomAD compares: African/African-American, 0.004%; no homozygotes.

Submission:

Labcorp Genetics (formerly Invitae), Labcorp
Classification: Uncertain significance. Last evaluated: 2025-05-05. Review status: criteria provided, single submitter. Criteria: Invitae Variant Classification Sherloc (09022015). Collection method: clinical testing. Allele origin: germline.
Comment: This sequence change replaces tryptophan, which is neutral and slightly polar, with arginine, which is basic and polar, at codon 1952 of the RP1 protein (p.Trp1952Arg). This variant is present in population databases (rs775087758, gnomAD 0.008%). This variant has not been reported in the literature in individuals affected with RP1-related conditions. ClinVar contains an entry for this variant (Variation ID: 1044037). An algorithm developed to predict the effect of missense changes on protein structure and function (PolyPhen-2) suggests that this variant is likely to be disruptive. In summary, the available evidence is currently insufficient to determine the role of this variant in disease. Therefore, it has been classified as a Variant of Uncertain Significance.

NM_006269.2(RP1):c.5854T>A (p.Trp1952Arg)

Genes: RP1 (RP1 axonemal microtubule associated; plus strand), LOC126860392 (CDK7 strongly-dependent group 2 enhancer GRCh37_chr8:55541319-55542518; plus strand). Cytogenetic location: 8q12.1.
Variant type: single nucleotide variant.
Coding change: c.5854T>A on transcript NM_006269.2 (MANE Select); coding-DNA position 5854, T replaced by A.
Protein change: p.Trp1952Arg; replaces tryptophan 1952 with arginine.
Molecular consequence: missense variant. On other transcripts: intron variant (1).
Genome position (GRCh38, 1-based): chr8:54,629,736, T>A. VCF-style: chr8-54629736-T-A. GRCh37 (hg19) VCF-style: chr8-55542296-T-A.
Other names: c.787+7448T>A (NM_001375654.1); short protein forms W1952R.
Identifiers: ClinVar variation 1044037 (VCV001044037.9), dbSNP rs775087758, ClinGen allele CA4752139.